The following is an entry in ClinVar:

ClinVar aggregate classification (germline): Uncertain significance (1 of 4 stars; one submission).

Conditions:
Cardiovascular phenotype. Identifiers: MedGen CN230736.

Submission:

Ambry Genetics
Classification: Uncertain significance for Cardiovascular phenotype. Last evaluated: 2025-08-31. Review status: criteria provided, single submitter. Criteria: Ambry Variant Classification Scheme 2023. Collection method: clinical testing. Allele origin: germline.
Comment: The p.V366L variant (also known as c.1096G>C), located in coding exon 2 of the JPH2 gene, results from a G to C substitution at nucleotide position 1096. The valine at codon 366 is replaced by leucine, an amino acid with highly similar properties. This amino acid position is conserved. In addition, the in silico prediction for this alteration is inconclusive. Based on the available evidence, the clinical significance of this variant remains unclear.

NM_020433.5(JPH2):c.1096G>C (p.Val366Leu)

Gene: JPH2 (junctophilin 2; minus strand). Cytogenetic location: 20q13.12.
Variant type: single nucleotide variant.
Coding change: c.1096G>C on transcript NM_020433.5 (MANE Select); coding-DNA position 1096, G replaced by C.
Protein change: p.Val366Leu; replaces valine 366 with leucine.
Molecular consequence: missense variant.
Genome position (GRCh38, 1-based): chr20:44,159,691, C>G on the plus strand (G>C on the coding strand, the complement: JPH2 is on the minus strand). VCF-style: chr20-44159691-C-G. GRCh37 (hg19) VCF-style: chr20-42788331-C-G.
Other names: short protein forms V366L.
Identifiers: ClinVar variation 4089456 (VCV004089456.1).